The following is an entry in ClinVar:

ClinVar aggregate classification (germline): Uncertain significance (1 of 4 stars; one submission).

Allele frequency attached by ClinVar (database versions not stated): gnomAD exomes 0.00001.
gnomAD v4.1: 6 of 1,614,156 alleles (0.00037%); highest among the groups gnomAD compares: East Asian, 0.0089%; no homozygotes.

Submission:

GeneDx
Classification: Uncertain significance. Last evaluated: 2022-02-25. Review status: criteria provided, single submitter. Criteria: GeneDx Variant Classification Process June 2021. Collection method: clinical testing. Allele origin: germline. Affected: yes.
Comment: Not observed at significant frequency in large population cohorts (gnomAD); In silico analysis supports that this missense variant does not alter protein structure/function; Has not been previously published as pathogenic or benign to our knowledge

NM_182961.4(SYNE1):c.14356A>T (p.Met4786Leu)

Gene: SYNE1 (spectrin repeat containing nuclear envelope protein 1; minus strand). Cytogenetic location: 6q25.2.
Variant type: single nucleotide variant.
Coding change: c.14356A>T on transcript NM_182961.4 (MANE Select); coding-DNA position 14356, A replaced by T.
Protein change: p.Met4786Leu; replaces methionine 4786 with leucine.
Molecular consequence: missense variant.
Genome position (GRCh38, 1-based): chr6:152,330,329, T>A on the plus strand (A>T on the coding strand, the complement: SYNE1 is on the minus strand). VCF-style: chr6-152330329-T-A. GRCh37 (hg19) VCF-style: chr6-152651464-T-A.
Other names: c.14143A>T, p.Met4715Leu (NM_033071.5); short protein forms M4715L, M4786L.
Identifiers: ClinVar variation 1703389 (VCV001703389.2), dbSNP rs2096215808, ClinGen allele CA366097960.